The following continues an entry in ClinVar:

NM_000277.3(PAH):c.842C>T (p.Pro281Leu)

Gene: PAH. ClinVar aggregate classification (germline): Likely pathogenic. Likely pathogenic (1).

Submissions 10 to 26 of 30:

Pittsburgh Clinical Genomics Laboratory, University of Pittsburgh Medical Center
Classification: Likely pathogenic for Phenylketonuria. Last evaluated: 2024-04-19. Review status: criteria provided, single submitter. Criteria: ACMG Guidelines, 2015. Collection method: clinical testing. Allele origin: germline. Inheritance: Autosomal recessive inheritance. Affected: yes. Not counted in ClinVar's aggregate classification.
Comment: This sequence variant is a single nucleotide substitution (C>T) at position 842 of the coding sequence of the PAH gene that results in a proline to leucine amino acid change at residue 281 of the phenylalanine hydroxylase protein. This residue falls in the catalytic domain of the protein which is important for the binding of iron, cofactor, and substrate (PMID: 23457044). This is a previously reported variant (ClinVar 589) that has been classified as likely pathogenic by an expert panel (ClinGen SCV000852092.4). This variant has been observed in individuals affected by phenylketonuria and hyperphenylalaninemia (PMID: 17935162, 15503242, 12655553, 24368688). This variant is present in 201 of 1613880 alleles (0.012%) in the gnomAD v4.0.0 population dataset. Multiple bioinformatic tools predict that this amino acid change would be damaging, and the Pro281 residue at this position is highly conserved across the vertebrate species examined. Studies examining the functional consequence of this variant demonstrate significantly impaired enzymatic activity (PMID: 25596310, 17935162). Based upon the evidence, we consider this variant to be likely pathogenic. ACMG Criteria: PM3, PP3, PP4, PS3

Laboratory of Medical Genetics, National & Kapodistrian University of Athens
Classification: Pathogenic for Phenylketonuria. Last evaluated: 2024-02-01. Review status: criteria provided, single submitter. Criteria: ACMG Guidelines, 2015. Collection method: curation. Allele origin: germline. Affected: no. Not counted in ClinVar's aggregate classification.

Greenwood Genetic Center Diagnostic Laboratories, Greenwood Genetic Center
Classification: Pathogenic for Phenylketonuria. Last evaluated: 2023-11-10. Review status: criteria provided, single submitter. Criteria: ACMG Guidelines, 2015. Collection method: clinical testing. Allele origin: germline. Affected: yes. Not counted in ClinVar's aggregate classification.
Comment: PS3, PM3_Strong, PP3

Department of Pathology and Laboratory Medicine, Sinai Health System
Classification: Pathogenic for Phenylketonuria. Last evaluated: 2023-05-09. Review status: criteria provided, single submitter. Criteria: ACMG Guidelines, 2015. Collection method: research. Allele origin: germline. Not counted in ClinVar's aggregate classification.

Mayo Clinic Laboratories, Mayo Clinic
Classification: Pathogenic. Last evaluated: 2022-04-07. Review status: criteria provided, single submitter. Criteria: ACMG Guidelines, 2015. Collection method: clinical testing. Allele origin: germline. Observed: 4 variant alleles. Not counted in ClinVar's aggregate classification.
Comment: PP3, PP4_moderate, PM2_moderate, PM5, PS3

Revvity Omics, Revvity
Classification: Pathogenic for Phenylketonuria. Last evaluated: 2021-11-15. Review status: criteria provided, single submitter. Criteria: ACMG Guidelines, 2015. Collection method: clinical testing. Allele origin: germline. Not counted in ClinVar's aggregate classification.

Genome-Nilou Lab
Classification: Pathogenic for Phenylketonuria. Last evaluated: 2021-07-22. Review status: criteria provided, single submitter. Criteria: ACMG Guidelines, 2015. Collection method: clinical testing. Allele origin: germline. Affected: no. Not counted in ClinVar's aggregate classification.

Ambry Genetics
Classification: Pathogenic for Inborn genetic diseases. Last evaluated: 2021-05-21. Review status: criteria provided, single submitter. Criteria: Ambry Variant Classification Scheme 2023. Collection method: clinical testing. Allele origin: germline. Not counted in ClinVar's aggregate classification.
Comment: The c.842C>T (p.P281L) alteration is located in exon 7 (coding exon 7) of the PAH gene. This alteration results from a C to T substitution at nucleotide position 842, causing the proline (P) at amino acid position 281 to be replaced by a leucine (L). Based on data from the Genome Aggregation Database (gnomAD) database, the PAH c.842C>T alteration was observed in 0.01% (29/282652) of total alleles studied, with a frequency of 0.02% (26/128978) in the European (non-Finnish) subpopulation. This mutation has been identified in numerous individuals with phenylalanine hydroxylase (PAH) deficiency (Okano, 1991; Shi, 2012; Gundorova, 2019) Activity and protein levels were approximately 1% when this variant was expressed n COS cells (Shi, 2012) The p.P281L alteration is predicted to be deleterious by in silico analysis. Based on the available evidence, this alteration is classified as pathogenic.

GeneDx
Classification: Pathogenic. Last evaluated: 2020-05-18. Review status: criteria provided, single submitter. Criteria: GeneDx Variant Classification Process June 2021. Collection method: clinical testing. Allele origin: germline. Affected: yes. Not counted in ClinVar's aggregate classification.
Comment: Associated with very low (0-1%) residual phenylalanine hydroxylase enzyme activity and is considered a severe PAH variant as individuals homozygous for this variant have been reported with classic phenylketonuria (Okano et al., 1991; Rivera et al., 2011; Shi et al., 2012; Danecka et al., 2015); In silico analysis, which includes protein predictors and evolutionary conservation, supports a deleterious effect; Reported to not be responsive to tetrahydrobiopterin (BH4) therapy (Zurflh et al., 2008); This variant is associated with the following publications: (PMID: 33101986, 31589614, 32853555, 30275481, 30747360, 31355225, 30648773, 30963030, 30159272, 12501224, 24296287, 21871829, 29288420, 1672294, 29499199, 2014036, 28676969, 19194782, 22513348, 8889590, 1672290, 25750018, 17935162, 1481864, 21953985, 25596310, 25087612, 22975760, 21228398, 10471838)

Myriad Genetics, Inc.
Classification: Pathogenic for Phenylketonuria. Last evaluated: 2019-12-04. Review status: criteria provided, single submitter. Criteria: Myriad Women's Health Autosomal Recessive and X-Linked Classification Criteria (2019). Collection method: clinical testing. Allele origin: unknown. Not counted in ClinVar's aggregate classification.
Comment: NM_000277.1(PAH):c.842C>T(P281L) is classified as pathogenic in the context of phenylalanine hydroxylase deficiency. Sources cited for classification include the following: PMID 22513348, 22526846, 19394257, 15503242, 20920871, 20187763, 22763404, 18299955, 17935162 and 10471838. Classification of NM_000277.1(PAH):c.842C>T(P281L) is based on the following criteria: This is a well-established pathogenic variant in the literature that has been observed more frequently in patients with clinical diagnoses than in healthy populations. Please note: this variant was assessed in the context of healthy population screening.

Fulgent Genetics
Classification: Pathogenic for Phenylketonuria. Last evaluated: 2018-10-31. Review status: criteria provided, single submitter. Criteria: ACMG Guidelines, 2015. Collection method: clinical testing. Allele origin: unknown. Not counted in ClinVar's aggregate classification.

CENTOGENE GmbH and LLC - Guiding Precision Medicine
Classification: Pathogenic for Phenylketonuria. Last evaluated: 2017-11-03. Review status: criteria provided, single submitter. Criteria: ACMG Guidelines, 2015. Collection method: clinical testing. Allele origin: germline. Affected: yes. Not counted in ClinVar's aggregate classification.

Eurofins Ntd Llc (ga)
Classification: Pathogenic. Last evaluated: 2017-01-26. Review status: criteria provided, single submitter. Criteria: EGL Classification Definitions 2015. Collection method: clinical testing. Allele origin: germline. Observed: 16 variant alleles, 16 heterozygotes. Not counted in ClinVar's aggregate classification.

Women's Health and Genetics/Laboratory Corporation of America, LabCorp
Classification: Pathogenic for Phenylketonuria. Last evaluated: 2017-01-19. Review status: criteria provided, single submitter. Criteria: LabCorp Variant Classification Summary - May 2015. Collection method: clinical testing. Allele origin: germline. Not counted in ClinVar's aggregate classification.
Comment: Variant summary: The PAH c.842C>T (p.Pro281Leu) variant involves the alteration of a conserved nucleotide. 5/5 in silico tools predict a damaging outcome for this variant, which was confirmed by at least one in vitro study showing the activity of PAH p.P281L was <1% of wild-type PAH activity (Kayaalp_1997). This variant was found in 12/121404 control chromosomes at a frequency of 0.0000988, which does not exceed the estimated maximal expected allele frequency of a pathogenic PAH variant (0.0079057). This variant has been reported in numerous patients with classic PKU. In addition, multiple clinical diagnostic laboratories/reputable databases classified this variant as pathogenic. Taken together, this variant is classified as pathogenic.

Laboratory for Molecular Medicine, Mass General Brigham Personalized Medicine
Classification: Pathogenic for Phenylketonuria. Last evaluated: 2015-12-29. Review status: criteria provided, single submitter. Criteria: ACMG Guidelines, 2015. Collection method: clinical testing. Allele origin: germline. Inheritance: Autosomal recessive inheritance. Not counted in ClinVar's aggregate classification.
Comment: The p.Pro281Leu variant in PAH was first reported in patients with classic PKU by Okano et al., (Okano 1991, Okano 1991) and has been reported in numerous patients with PKU since then (Zurfluh 2008, Danecka 2015). In vitro functional studies provide evidence that the p.Pro281Leu variant impacts protein function (Okano 1991, Zurfluh 2008, Danecka 2015, Ellingsen 1999, Reblova 2015, Shi 2012). This variant has been identified in 0.018% (12/66740) of Euroepan chromosomes by the Exome Aggregation Consortium (ExAC; rs5030851). Although this variant has been seen in the general population, its frequency is low enough to be consistent with a recessive carrier frequency. In summary, this variant meets our criteria to be classified as pathogenic for phenylketonuria in an autosomal recessive manner.

Kariminejad - Najmabadi Pathology & Genetics Center
Classification: Pathogenic for Phenylketonuria. Review status: criteria provided, single submitter. Criteria: ACMG Guidelines, 2015. Collection method: clinical testing. Allele origin: germline. Affected: no. Not counted in ClinVar's aggregate classification.

UNC Molecular Genetics  Laboratory, University of North Carolina at Chapel Hill
Classification: Pathogenic for Phenylketonuria. Review status: criteria provided, single submitter. Criteria: ACMG Guidelines, 2015. Collection method: research. Allele origin: germline. Affected: yes. Observed: 2 variant alleles. Study: NSIGHT-NC NEXUS. Not counted in ClinVar's aggregate classification.
Comment: The PAH c.842C>T (p.P281L) variant is located at an intron/exon boundary, and this variant has been reported as pathogenic in individuals with phenylketonuria. This variant was also shown to abolish the function of the phenylalanine hydroxylase enzyme in vitro (PMID: 1672290; 9634518; 10234516; 17935162).